The following is an entry in ClinVar:

NM_001267550.2(TTN):c.47512C>T (p.Arg15838Ter)

Genes: TTN (titin; minus strand), TTN-AS1 (TTN antisense RNA 1; plus strand). Cytogenetic location: 2q31.2.
Variant type: single nucleotide variant.
Coding change: c.47512C>T on transcript NM_001267550.2 (MANE Select); coding-DNA position 47512, C replaced by T.
Protein change: p.Arg15838Ter; replaces arginine 15838 with a stop codon.
Molecular consequence: nonsense.
Genome position (GRCh38, 1-based): chr2:178,617,839, G>A on the plus strand (C>T on the coding strand, the complement: TTN is on the minus strand). VCF-style: chr2-178617839-G-A. GRCh37 (hg19) VCF-style: chr2-179482566-G-A.
Other names: c.42589C>T, p.Arg14197Ter (NM_001256850.1); c.20317C>T, p.Arg6773Ter (NM_003319.4); c.39808C>T, p.Arg13270Ter (NM_133378.4); c.20692C>T, p.Arg6898Ter (NM_133432.3); c.20893C>T, p.Arg6965Ter (NM_133437.4); short protein forms R6773*, R6898*, R13270*, R6965*, R14197*, R15838*.
Identifiers: ClinVar variation 1512403 (VCV001512403.7), dbSNP rs762271078, ClinGen allele CA1995036.

ClinVar aggregate classification (germline): Likely pathogenic. Review status: criteria provided, single submitter (1 of 4 stars). 2 submissions from 2 submitters: Likely pathogenic (1). 1 of the submissions does not count toward it. Last evaluated 2022-10-04.

Conditions:
Dilated cardiomyopathy 1G (CMD1G). Identifiers: Orphanet 154, MedGen C1858763, MONDO:0011400, OMIM 604145.
Autosomal recessive limb-girdle muscular dystrophy type 2J (LGMDR10). Also called: Limb-girdle muscular dystrophy, type 2J; MUSCULAR DYSTROPHY, LIMB-GIRDLE, AUTOSOMAL RECESSIVE 10. Identifiers: Orphanet 140922, MedGen C1837342, MONDO:0012127, OMIM 608807.

Allele frequency attached by ClinVar (database versions not stated): gnomAD exomes below 0.00001; ExAC 0.00001.
gnomAD v4.1: 4 of 1,612,512 alleles (0.00025%); highest among the groups gnomAD compares: Non-Finnish European, 0.00025%; no homozygotes.

Submissions (2):

Labcorp Genetics (formerly Invitae), Labcorp
Classification: Likely pathogenic for Dilated cardiomyopathy 1G; Autosomal recessive limb-girdle muscular dystrophy type 2J. Last evaluated: 2022-10-04. Review status: criteria provided, single submitter. Criteria: Invitae Variant Classification Sherloc (09022015). Collection method: clinical testing. Allele origin: germline.
Comment: This sequence change creates a premature translational stop signal (p.Arg15838*) in the TTN gene. While this is not anticipated to result in nonsense mediated decay, it is expected to create a truncated TTN protein. In summary, the currently available evidence indicates that the variant is pathogenic, but additional data are needed to prove that conclusively. Therefore, this variant has been classified as Likely Pathogenic. This variant is located in the A band of TTN (PMID: 25589632). Truncating variants in this region are significantly overrepresented in patients affected with dilated cardiomyopathy (PMID: 25589632). Truncating variants in this region have also been reported in individuals affected with autosomal recessive centronuclear myopathy (PMID: 23975875). ClinVar contains an entry for this variant (Variation ID: 1512403). This variant has not been reported in the literature in individuals affected with TTN-related conditions. This variant is present in population databases (rs762271078, gnomAD 0.0009%).

Cardiogenetics and Myogenetics Molecular and Cellular Functional Unit, Aphp Sorbonne University-Hopital Pitie Salpetriere
Classification: Likely pathogenic for Dilated cardiomyopathy 1G. Last evaluated: 2024-01-06. Review status: no assertion criteria provided. Collection method: clinical testing. Allele origin: germline. Affected: yes. Not counted in ClinVar's aggregate classification.

Literature cited by the submitters: PubMed 25589632 (cited by Labcorp Genetics (formerly Invitae), Labcorp); PubMed 23975875 (cited by Labcorp Genetics (formerly Invitae), Labcorp).